The following is an entry in ClinVar:

ClinVar aggregate classification (germline): Pathogenic (1 of 4 stars; one submission).

Submission:

Genetic Services Laboratory, University of Chicago
Classification: Pathogenic. Last evaluated: 2018-08-23. Review status: criteria provided, single submitter. Criteria: ACMG Guidelines, 2015. Collection method: clinical testing. Allele origin: germline. Affected: yes.
Comment: DNA sequence analysis of the NIPBL gene demonstrated a sequence change, c.3709C>T, which results in the creation of a premature stop codon at amino acid position 1237, p.Gln1237*. This pathogenic sequence change is predicted to result in an abnormal transcript, which may be degraded, or may lead to the production of a truncated NIPBL protein with potentially abnormal function. This variant is not present in population databases. This pathogenic sequence change has previously not been described in patients with NIPBL-related disorders, but several other pathogenic truncating variants have been described in this gene in patients with Cornelia de Lange syndrome [OMIM#122470].

NM_133433.4(NIPBL):c.3709C>T (p.Gln1237Ter)

Gene: NIPBL (NIPBL cohesin loading factor; plus strand). Cytogenetic location: 5p13.2.
Variant type: single nucleotide variant.
Coding change: c.3709C>T on transcript NM_133433.4 (MANE Select); coding-DNA position 3709, C replaced by T.
Protein change: p.Gln1237Ter; replaces glutamine 1237 with a stop codon.
Molecular consequence: nonsense.
Genome position (GRCh38, 1-based): chr5:37,002,706, C>T. VCF-style: chr5-37002706-C-T. GRCh37 (hg19) VCF-style: chr5-37002808-C-T.
Other names: c.3709C>T, p.Gln1237Ter (NM_015384.5); short protein forms Q1237*.
Identifiers: ClinVar variation 1338435 (VCV001338435.4), dbSNP rs2149672495, ClinGen allele CA359521338.